The following is an entry in ClinVar:

ClinVar aggregate classification (germline): Benign (1 of 4 stars; one submission).

Allele frequency attached by ClinVar (database versions not stated): TOPMed 0.01629; gnomAD 0.02009 and 0.02262; 1000 Genomes Project 30x 0.03576; 1000 Genomes Project 0.03934.
gnomAD v4.1: 3,406 of 151,792 alleles (2.2%); highest among the groups gnomAD compares: East Asian, 10%; 91 homozygotes.

Submission:

GeneDx
Classification: Benign. Last evaluated: 2018-06-19. Review status: criteria provided, single submitter. Criteria: GeneDx Variant Classification (06012015). Collection method: clinical testing. Allele origin: germline. Affected: yes.
Comment: This variant is considered likely benign or benign based on one or more of the following criteria: it is a conservative change, it occurs at a poorly conserved position in the protein, it is predicted to be benign by multiple in silico algorithms, and/or has population frequency not consistent with disease.

NM_001065.4(TNFRSF1A):c.40-305C>T

Gene: TNFRSF1A (TNF receptor superfamily member 1A; minus strand). Cytogenetic location: 12p13.31.
Variant type: single nucleotide variant.
Coding change: c.40-305C>T on transcript NM_001065.4 (MANE Select); 305 bases into the intron before coding-DNA position 40, C replaced by T.
Molecular consequence: intron variant.
Genome position (GRCh38, 1-based): chr12:6,334,549, G>A on the plus strand (C>T on the coding strand, the complement: TNFRSF1A is on the minus strand). VCF-style: chr12-6334549-G-A. GRCh37 (hg19) VCF-style: chr12-6443715-G-A.
Other names: c.-131-684C>T (NM_001346091.2); c.-538-305C>T (NM_001346092.2).
Identifiers: ClinVar variation 671688 (VCV000671688.1), dbSNP rs58388160, ClinGen allele CA15745278.